The following is an entry in ClinVar:

ClinVar aggregate classification (germline): Uncertain significance (1 of 4 stars; one submission).

gnomAD v4.1: 16 of 1,609,014 alleles (0.00099%); highest among the groups gnomAD compares: Non-Finnish European, 0.0014%; no homozygotes.

Submission:

Labcorp Genetics (formerly Invitae), Labcorp
Classification: Uncertain significance. Last evaluated: 2024-04-27. Review status: criteria provided, single submitter. Criteria: Invitae Variant Classification Sherloc (09022015). Collection method: clinical testing. Allele origin: germline.
Comment: This sequence change replaces isoleucine, which is neutral and non-polar, with threonine, which is neutral and polar, at codon 341 of the IFT88 protein (p.Ile341Thr). This variant is not present in population databases (gnomAD no frequency). This variant has not been reported in the literature in individuals affected with IFT88-related conditions. An algorithm developed to predict the effect of missense changes on protein structure and function (PolyPhen-2) suggests that this variant is likely to be disruptive. In summary, the available evidence is currently insufficient to determine the role of this variant in disease. Therefore, it has been classified as a Variant of Uncertain Significance.

NM_006531.5(IFT88):c.995T>C (p.Ile332Thr)

Gene: IFT88 (intraflagellar transport 88; plus strand). Cytogenetic location: 13q12.11.
Variant type: single nucleotide variant.
Coding change: c.995T>C on transcript NM_006531.5 (MANE Select); coding-DNA position 995, T replaced by C.
Protein change: p.Ile332Thr; replaces isoleucine 332 with threonine.
Molecular consequence: missense variant. On other transcripts: non-coding transcript variant (5).
Genome position (GRCh38, 1-based): chr13:20,601,887, T>C. VCF-style: chr13-20601887-T-C. GRCh37 (hg19) VCF-style: chr13-21176026-T-C.
Other names: c.938T>C, p.Ile313Thr (NM_001318491.2, NM_001353573.2, NM_001353575.2); c.1022T>C, p.Ile341Thr (NM_001318493.2, NM_001353565.2, NM_001353566.2 and 2 more transcripts); c.995T>C, p.Ile332Thr (NM_001353568.2, NM_001353572.2); c.920T>C, p.Ile307Thr (NM_001353569.2, NM_001353570.2, NM_001353576.2 and 1 more transcripts); c.893T>C, p.Ile298Thr (NM_001353571.2, NM_001353578.2); c.836T>C, p.Ile279Thr (NM_001353574.2); c.362T>C, p.Ile121Thr (NM_001353579.2); short protein forms I121T, I279T, I298T, I307T, I313T, I332T, I341T.
Identifiers: ClinVar variation 3613519 (VCV003613519.2).
Genomic context (GRCh38, chr13:20,601,887, plus strand): 5'-CTATCTGTTATTTTGCTATTGGAGACCGAGAAAAAATGAAGAAGGCATTCCAAAAATTGA[T>C]TACTGTTCCATTAGAAATTGATGAAGATAAATATATTTCACCAAGTGTGAGTATGAAAAA-3'
Protein context (NP_006522.2, residues 322-342): EKMKKAFQKL[Ile332Thr]TVPLEIDEDK